The following is an entry in ClinVar:

ClinVar aggregate classification (germline): Uncertain significance (1 of 4 stars; one submission).

Conditions:
Neurofibromatosis, type 2 (SWNV). Also called: BILATERAL ACOUSTIC NEUROFIBROMATOSIS; SCHWANNOMATOSIS, VESTIBULAR; NF2-Related Schwannomatosis. Identifiers: Orphanet 637, MedGen C0027832, MONDO:0007039, OMIM 101000. Disease mechanism: loss of function.

Submission:

Labcorp Genetics (formerly Invitae), Labcorp
Classification: Uncertain significance for Neurofibromatosis, type 2. Last evaluated: 2023-11-24. Review status: criteria provided, single submitter. Criteria: Invitae Variant Classification Sherloc (09022015). Collection method: clinical testing. Allele origin: germline.
Comment: This sequence change replaces phenylalanine, which is neutral and non-polar, with leucine, which is neutral and non-polar, at codon 222 of the NF2 protein (p.Phe222Leu). This variant is not present in population databases (gnomAD no frequency). This variant has not been reported in the literature in individuals affected with NF2-related conditions. Advanced modeling of protein sequence and biophysical properties (such as structural, functional, and spatial information, amino acid conservation, physicochemical variation, residue mobility, and thermodynamic stability) performed at Invitae indicates that this missense variant is expected to disrupt NF2 protein function with a positive predictive value of 80%. In summary, the available evidence is currently insufficient to determine the role of this variant in disease. Therefore, it has been classified as a Variant of Uncertain Significance.

NM_000268.4(NF2):c.664T>C (p.Phe222Leu)

Gene: NF2 (NF2, moesin-ezrin-radixin like (MERLIN) tumor suppressor; plus strand). Cytogenetic location: 22q12.2.
Variant type: single nucleotide variant.
Coding change: c.664T>C on transcript NM_000268.4 (MANE Select); coding-DNA position 664, T replaced by C.
Protein change: p.Phe222Leu; replaces phenylalanine 222 with leucine.
Molecular consequence: missense variant. On other transcripts: intron variant (1).
Genome position (GRCh38, 1-based): chr22:29,658,253, T>C. VCF-style: chr22-29658253-T-C. GRCh37 (hg19) VCF-style: chr22-30054242-T-C.
Other names: c.550T>C, p.Phe184Leu (NM_001407053.1, NM_001407056.1); c.541T>C, p.Phe181Leu (NM_001407054.1, NM_001407058.1, NM_001407062.1 and 1 more transcripts); c.538T>C, p.Phe180Leu (NM_001407055.1, NM_181828.3); c.664T>C, p.Phe222Leu (NM_001407057.1, NM_001407059.1, NM_001407060.1 and 4 more transcripts); c.415T>C, p.Phe139Leu (NM_001407063.1, NM_001407064.1, NM_181831.3 and 1 more transcripts); c.130T>C, p.Phe44Leu (NM_001407065.1); c.433T>C, p.Phe145Leu (NM_001407067.1); c.447+15968T>C (NM_181833.3); short protein forms F181L, F44L, F145L, F139L, F180L, F222L, F184L.
Identifiers: ClinVar variation 2698203 (VCV002698203.3), dbSNP rs2146990764, ClinGen allele CA411143113.
Genomic context (GRCh38, chr22:29,658,253, plus strand): 5'-GAAGCTGAAATGGAATATCTGAAGATAGCTCAGGACCTGGAGATGTACGGTGTGAACTAC[T>C]TTGCAATCCGGGTGTGTTGAAACCTCTCTGAGCTCCTTGTGTAGTAGACAGAGACTGAGT-3'
Protein context (NP_000259.1, residues 212-232): QDLEMYGVNY[Phe222Leu]AIRNKKGTEL